The following is an entry in ClinVar:

ClinVar aggregate classification (germline): Likely benign (0 of 4 stars; one submission).

Conditions:
PHIP-related disorder. Also called: PHIP-related condition; PHIP-related disorders.

gnomAD v4.1: 1 of 1,612,142 alleles (0.000062%); highest among the groups gnomAD compares: Non-Finnish European, 0.000085%; no homozygotes.

Submission:

PreventionGenetics, part of Exact Sciences
Classification: Likely benign for PHIP-related condition. Last evaluated: 2023-11-03. Review status: no assertion criteria provided. Collection method: clinical testing. Allele origin: germline.
Comment: This variant is classified as likely benign based on ACMG/AMP sequence variant interpretation guidelines (Richards et al. 2015 PMID: 25741868, with internal and published modifications).

NM_017934.7(PHIP):c.3219G>A (p.Arg1073=)

Genes: IRAK1BP1 (interleukin 1 receptor associated kinase 1 binding protein 1; plus strand), PHIP (PHIP subunit of CUL4-Ring ligase complex; minus strand). Cytogenetic location: 6q14.1.
Variant type: single nucleotide variant.
Coding change: c.3219G>A on transcript NM_017934.7 (MANE Select); coding-DNA position 3219, G replaced by A.
Protein change: p.Arg1073=; no amino-acid change (arginine 1073 retained).
Molecular consequence: synonymous variant.
Genome position (GRCh38, 1-based): chr6:78,966,043, C>T on the plus strand (G>A on the coding strand, the complement: PHIP is on the minus strand). VCF-style: chr6-78966043-C-T. GRCh37 (hg19) VCF-style: chr6-79675760-C-T.
Identifiers: ClinVar variation 3350060 (VCV003350060.1).